The following is an entry in ClinVar:

ClinVar aggregate classification (germline): Conflicting classifications of pathogenicity. Review status: criteria provided, conflicting classifications (1 of 4 stars). 4 submissions from 4 submitters: Likely pathogenic (1); Uncertain significance (3). Last evaluated 2025-07-01.

Conditions:
Thrombocytopenia 2 (THC2). Also called: ANKRD26-Related Thrombocytopenia. Identifiers: Orphanet 268322, MedGen C1861185, MONDO:0008555, OMIM 188000.

Allele frequency attached by ClinVar (database versions not stated): gnomAD exomes 0.00001 and 0.00002; ExAC 0.00002; gnomAD 0.00002; TOPMed 0.00003; ESP Exome Variant Server 0.00009.

Submissions (4):

Labcorp Genetics (formerly Invitae), Labcorp
Classification: Uncertain significance. Last evaluated: 2025-07-01. Review status: criteria provided, single submitter. Criteria: Invitae Variant Classification Sherloc (09022015). Collection method: clinical testing. Allele origin: germline.
Comment: This sequence change creates a premature translational stop signal (p.Lys346*) in the ANKRD26 gene. It is expected to result in an absent or disrupted protein product. However, the current clinical and genetic evidence is not sufficient to establish whether loss-of-function variants in ANKRD26 cause disease. This variant is present in population databases (rs780613456, gnomAD 0.004%). This premature translational stop signal has been observed in individual(s) with clinical features of ANKRD26-related conditions (PMID: 34355501). ClinVar contains an entry for this variant (Variation ID: 1320286). In summary, the available evidence is currently insufficient to determine the role of this variant in disease. Therefore, it has been classified as a Variant of Uncertain Significance.

GeneDx
Classification: Uncertain significance. Last evaluated: 2024-08-12. Review status: criteria provided, single submitter. Criteria: GeneDx Variant Classification Process June 2021. Collection method: clinical testing. Allele origin: germline. Affected: yes.
Comment: Not observed at significant frequency in large population cohorts (gnomAD); Observed in an individual with a personal and family history of blood loss and hemorrhage (PMID: 34355501); Nonsense variant predicted to result in protein truncation or nonsense mediated decay in a gene for which loss-of-function is not an established mechanism of disease; This variant is associated with the following publications: (PMID: 34355501)

St. Jude Molecular Pathology, St. Jude Children's Research Hospital
Classification: Uncertain significance for Thrombocytopenia 2. Last evaluated: 2021-09-09. Review status: criteria provided, single submitter. Criteria: St. Jude Assertion Criteria 2020. Collection method: clinical testing. Allele origin: germline.
Comment: The ANKRD26 c.1035_1036insT (p.Lys346Ter) change creates a premature stop codon, however the functional significance of this change is currently unknown. This variant has a maximum subpopulation frequency of 0.0026% in gnomAD v2.1.1. To our knowledge, this variant has not been reported in individuals with ANKRD26-related thrombocytopenia. In summary, this variant meets criteria to be classified as of uncertain significance based on the ACMG/AMP criteria: no criteria met.

ISTH-SSC Genomics in Thrombosis and Hemostasis, KU Leuven, Center for Molecular and Vascular Biology
Classification: Likely pathogenic for Thrombocytopenia 2. Review status: criteria provided, single submitter. Criteria: ACMG Guidelines, 2015. Collection method: clinical testing. Allele origin: unknown. Affected: yes. Observed: 2 heterozygotes. Clinical features observed: Bleeding, post-partum haemorrhage, bleeding with dental extractions, bleeding post-tonsillectomy, abnormal platelet aggregations.
Comment: GoldVariant submitter: Dr Marie-Christine Morel-Kopp Northern Blood Research Centre, Sydney, Australia

Literature cited by the submitters: PubMed 34355501 (cited by Labcorp Genetics (formerly Invitae), Labcorp and ISTH-SSC Genomics in Thrombosis and Hemostasis, KU Leuven, Center for Molecular and Vascular Biology).

NM_014915.3(ANKRD26):c.1035_1036insT (p.Lys346Ter)

Gene: ANKRD26 (ankyrin repeat domain 26; minus strand). Cytogenetic location: 10p12.1.
Variant type: Insertion.
Coding change: c.1035_1036insT on transcript NM_014915.3 (MANE Select); coding-DNA positions 1035 to 1036, T inserted.
Protein change: p.Lys346Ter; replaces lysine 346 with a stop codon.
Molecular consequence: nonsense.
Genome position: GRCh38 VCF-style: chr10-27077379-T-TA. GRCh37 (hg19) VCF-style: chr10-27366308-T-TA.
Other names: c.1035_1036insT, p.Lys346Ter (NM_001256053.2); short protein forms K346*.
Identifiers: ClinVar variation 1320286 (VCV001320286.9), dbSNP rs780613456, ClinGen allele CA5448711.
Genomic context (GRCh38, chr10:27,077,379, plus strand): 5'-TTTTTAAAAAACAACTTACCTTCATAAGACCAGGGTTTGCTAACGACTTGTGGGAAGGTT[T>TA]TGGAAGAAGGTCAGGTGATTGATAGGTAGGATGAGAAAAGCACTGGACTTTGATTGATGT-3'